The following is an entry in ClinVar:

NM_017739.4(POMGNT1):c.712G>C (p.Val238Leu)

Genes: POMGNT1 (protein O-linked mannose N-acetylglucosaminyltransferase 1 (beta 1,2-); minus strand), TSPAN1 (tetraspanin 1; plus strand). Cytogenetic location: 1p34.1.
Variant type: single nucleotide variant.
Coding change: c.712G>C on transcript NM_017739.4 (MANE Select); coding-DNA position 712, G replaced by C.
Protein change: p.Val238Leu; replaces valine 238 with leucine.
Molecular consequence: missense variant.
Genome position (GRCh38, 1-based): chr1:46,194,592, C>G on the plus strand (G>C on the coding strand, the complement: POMGNT1 is on the minus strand). VCF-style: chr1-46194592-C-G. GRCh37 (hg19) VCF-style: chr1-46660264-C-G.
Other names: c.712G>C, p.Val238Leu (NM_001243766.2, NM_001410783.1); c.646G>C, p.Val216Leu (NM_001290129.3); c.283G>C, p.Val95Leu (NM_001290130.2); short protein forms V216L, V238L, V95L.
Identifiers: ClinVar variation 1392752 (VCV001392752.5), dbSNP rs755032396, ClinGen allele CA833635.
Genomic context (GRCh38, chr1:46,194,592, plus strand): 5'-TCCATGCTCCACTAACTCCACCTTCTGCTGAGCTCAATGGCACATCTGTCTTCAGCAGGA[C>G]TGGGTCCCCCCAGGAAGAGAGGGCAGGTGATTTAGAATGTTTCTCCCCGAAGACAGGACC-3'
Protein context (NP_060209.4, residues 228-248): SPALSSWGDP[Val238Leu]LLKTDVPLSS

ClinVar aggregate classification (germline): Uncertain significance (1 of 4 stars; one submission).

Conditions:
Autosomal recessive limb-girdle muscular dystrophy type 2O. Also called: Limb-Girdle Muscular Dystrophy Type 3C; MUSCULAR DYSTROPHY-DYSTROGLYCANOPATHY (LIMB-GIRDLE), TYPE C, 3; MUSCULAR DYSTROPHY-DYSTROGLYCANOPATHY, LIMB-GIRDLE, POMGNT1-RELATED. Identifiers: Orphanet 206564, MedGen C3150417, MONDO:0013161, OMIM 613157.
Muscular dystrophy-dystroglycanopathy (congenital with impaired intellectual development), type B, 3. Also called: MUSCULAR DYSTROPHY, CONGENITAL, POMGNT1-RELATED; Muscular dystrophy-dystroglycanopathy (congenital with intellectual disability), type B3. Identifiers: MedGen C3150412, MONDO:0013155, OMIM 613151.

Allele frequency attached by ClinVar (database versions not stated): gnomAD 0.00001; gnomAD exomes 0.00001 and below 0.00001; ExAC 0.00001; TOPMed 0.00002.
gnomAD v4.1: 3 of 1,614,118 alleles (0.00019%); highest among the groups gnomAD compares: African/African-American, 0.004%; no homozygotes.

Submission:

Labcorp Genetics (formerly Invitae), Labcorp
Classification: Uncertain significance for Autosomal recessive limb-girdle muscular dystrophy type 2O; Muscular dystrophy-dystroglycanopathy (congenital with impaired intellectual development), type B, 3. Last evaluated: 2022-06-13. Review status: criteria provided, single submitter. Criteria: Invitae Variant Classification Sherloc (09022015). Collection method: clinical testing. Allele origin: germline.
Comment: This sequence change replaces valine, which is neutral and non-polar, with leucine, which is neutral and non-polar, at codon 238 of the POMGNT1 protein (p.Val238Leu). This variant is present in population databases (rs755032396, gnomAD 0.01%). This variant has not been reported in the literature in individuals affected with POMGNT1-related conditions. Advanced modeling of protein sequence and biophysical properties (such as structural, functional, and spatial information, amino acid conservation, physicochemical variation, residue mobility, and thermodynamic stability) performed at Invitae indicates that this missense variant is not expected to disrupt POMGNT1 protein function. In summary, the available evidence is currently insufficient to determine the role of this variant in disease. Therefore, it has been classified as a Variant of Uncertain Significance.